The following is an entry in ClinVar:

ClinVar aggregate classification (germline): Uncertain significance. Review status: criteria provided, multiple submitters, no conflicts (2 of 4 stars). 2 submissions from 2 submitters: Uncertain significance (2). Last evaluated 2023-01-24.

Conditions:
Inborn genetic diseases. Identifiers: MedGen C0950123, MeSH D030342.
NSD1-related disorder. Also called: NSD1-related condition.

Allele frequency attached by ClinVar (database versions not stated): ExAC 0.00001.
gnomAD v4.1: 1 of 1,614,078 alleles (0.000062%); highest among the groups gnomAD compares: Non-Finnish European, 0.000085%; no homozygotes.

Submissions (2):

PreventionGenetics, part of Exact Sciences
Classification: Uncertain significance for NSD1-related condition. Last evaluated: 2023-01-24. Review status: criteria provided, single submitter. Criteria: ACMG Guidelines, 2015. Collection method: clinical testing. Allele origin: germline.
Comment: The NSD1 c.3242G>C variant is predicted to result in the amino acid substitution p.Gly1081Ala. To our knowledge, this variant has not been reported in the literature. This variant is reported in 0.0054% of alleles in individuals of East Asian descent in gnomAD. At this time, the clinical significance of this variant is uncertain due to the absence of conclusive functional and genetic evidence.

Ambry Genetics
Classification: Uncertain significance for Inborn genetic diseases. Last evaluated: 2020-07-15. Review status: criteria provided, single submitter. Criteria: Ambry Variant Classification Scheme 2023. Collection method: clinical testing. Allele origin: germline.
Comment: The p.G1081A variant (also known as c.3242G>C), located in coding exon 4 of the NSD1 gene, results from a G to C substitution at nucleotide position 3242. The glycine at codon 1081 is replaced by alanine, an amino acid with similar properties. This amino acid position is not well conserved in available vertebrate species, and alanine is the reference amino acid in other vertebrate species. In addition, this alteration is predicted to be tolerated by in silico analysis. Since supporting evidence is limited at this time, the clinical significance of this alteration remains unclear.

NM_022455.5(NSD1):c.3242G>C (p.Gly1081Ala)

Gene: NSD1 (nuclear receptor binding SET domain protein 1; plus strand). Cytogenetic location: 5q35.3.
Variant type: single nucleotide variant.
Coding change: c.3242G>C on transcript NM_022455.5 (MANE Select); coding-DNA position 3242, G replaced by C.
Protein change: p.Gly1081Ala; replaces glycine 1081 with alanine.
Molecular consequence: missense variant.
Genome position (GRCh38, 1-based): chr5:177,211,641, G>C. VCF-style: chr5-177211641-G-C. GRCh37 (hg19) VCF-style: chr5-176638642-G-C.
Other names: c.2369G>C, p.Gly790Ala (NM_001365684.2, NM_001409306.1, NM_001409307.1 and 3 more transcripts); c.3242G>C, p.Gly1081Ala (NM_001409301.1, NM_001409302.1, NM_001409303.1); c.2822G>C, p.Gly941Ala (NM_001409304.1); c.2489G>C, p.Gly830Ala (NM_001409305.1); short protein forms G790A, G830A, G1081A, G812A, G941A.
Identifiers: ClinVar variation 1729319 (VCV001729319.3), dbSNP rs765102184, ClinGen allele CA3577404.